The following is an entry in ClinVar:

NM_004369.4(COL6A3):c.348T>A (p.Asn116Lys)

Gene: COL6A3 (collagen type VI alpha 3 chain; minus strand). Cytogenetic location: 2q37.3.
Variant type: single nucleotide variant.
Coding change: c.348T>A on transcript NM_004369.4 (MANE Select); coding-DNA position 348, T replaced by A.
Protein change: p.Asn116Lys; replaces asparagine 116 with lysine.
Molecular consequence: missense variant. On other transcripts: intron variant (4).
Genome position (GRCh38, 1-based): chr2:237,394,948, A>T on the plus strand (T>A on the coding strand, the complement: COL6A3 is on the minus strand). VCF-style: chr2-237394948-A-T. GRCh37 (hg19) VCF-style: chr2-238303591-A-T.
Other names: c.91+1779T>A (NM_057166.5, NM_057167.4, NM_057164.5 and 1 more transcripts); short protein forms N116K.
Identifiers: ClinVar variation 1463882 (VCV001463882.6), dbSNP rs2106388428, ClinGen allele CA351227404.
Genomic context (GRCh38, chr2:237,394,948, plus strand): 5'-GCTTCCAGCAGCCTTGGTGAGGTGGCTTTGCATTATGTATTCTAATCCTTTTCCAGTCTG[A>T]TTGGTTCCCCCAATATAAGACATGTTGGAAATATGAGAAAGGACTTCTTGTTTAGTACGA-3'
Protein context (NP_004360.2, residues 106-126): ISNMSYIGGT[Asn116Lys]QTGKGLEYIM

ClinVar aggregate classification (germline): Uncertain significance (1 of 4 stars; one submission).

Conditions:
Bethlem myopathy 1A. Also called: Bethlem myopathy 1; Bethlem Muscular Dystrophy; MYOPATHY, BENIGN CONGENITAL, WITH CONTRACTURES. Identifiers: Orphanet 610, MedGen CN029274, MONDO:0024530, OMIM 158810.

Submission:

Labcorp Genetics (formerly Invitae), Labcorp
Classification: Uncertain significance for Bethlem myopathy 1A. Last evaluated: 2021-10-13. Review status: criteria provided, single submitter. Criteria: Invitae Variant Classification Sherloc (09022015). Collection method: clinical testing. Allele origin: germline.
Comment: In summary, the available evidence is currently insufficient to determine the role of this variant in disease. Therefore, it has been classified as a Variant of Uncertain Significance. Advanced modeling of protein sequence and biophysical properties (such as structural, functional, and spatial information, amino acid conservation, physicochemical variation, residue mobility, and thermodynamic stability) performed at Invitae indicates that this missense variant is not expected to disrupt COL6A3 protein function. This variant has not been reported in the literature in individuals affected with COL6A3-related conditions. This variant is not present in population databases (ExAC no frequency). This sequence change replaces asparagine with lysine at codon 116 of the COL6A3 protein (p.Asn116Lys). The asparagine residue is weakly conserved and there is a moderate physicochemical difference between asparagine and lysine.